The following is an entry in ClinVar:

NM_001142800.2(EYS):c.1052C>A (p.Ser351Ter)

Gene: EYS (EGF-like photoreceptor maintenance factor; minus strand). Cytogenetic location: 6q12.
Variant type: single nucleotide variant.
Coding change: c.1052C>A on transcript NM_001142800.2 (MANE Select); coding-DNA position 1052, C replaced by A.
Protein change: p.Ser351Ter; replaces serine 351 with a stop codon.
Molecular consequence: nonsense.
Genome position (GRCh38, 1-based): chr6:65,405,178, G>T on the plus strand (C>A on the coding strand, the complement: EYS is on the minus strand). VCF-style: chr6-65405178-G-T. GRCh37 (hg19) VCF-style: chr6-66115071-G-T.
Other names: c.1052C>A, p.Ser351Ter (NM_001142801.2, NM_001292009.2, NM_198283.2); short protein forms S351*.
Identifiers: ClinVar variation 2822786 (VCV002822786.4), dbSNP rs2533376526, ClinGen allele CA364662557.
Genomic context (GRCh38, chr6:65,405,178, plus strand): 5'-TGGTAATAGTAAAAAAAATTTAAAACCACTCACTTATATGTTAGATTGAGACTTACATTT[G>T]ATATTTTGATGCAGTCAGTACCATTCTGACATGGTACTAATGAAAACTCACTGACATCAG-3'

ClinVar aggregate classification (germline): Pathogenic. Review status: criteria provided, multiple submitters, no conflicts (2 of 4 stars). 2 submissions from 2 submitters: Pathogenic (2). Last evaluated 2024-03-21.

Conditions:
Retinitis pigmentosa 25 (RP25). Identifiers: Orphanet 791, MedGen C1864446, MONDO:0011272, OMIM 602772.

Submissions (2):

Institute of Medical Genetics and Applied Genomics, University Hospital Tübingen
Classification: Pathogenic for Retinitis pigmentosa 25. Last evaluated: 2024-03-21. Review status: criteria provided, single submitter. Criteria: ACMG Guidelines, 2015. Collection method: clinical testing. Allele origin: germline. Inheritance: Autosomal recessive inheritance. Affected: yes.

Labcorp Genetics (formerly Invitae), Labcorp
Classification: Pathogenic. Last evaluated: 2022-12-21. Review status: criteria provided, single submitter. Criteria: Invitae Variant Classification Sherloc (09022015). Collection method: clinical testing. Allele origin: germline.
Comment: For these reasons, this variant has been classified as Pathogenic. This variant has not been reported in the literature in individuals affected with EYS-related conditions. This variant is not present in population databases (gnomAD no frequency). This sequence change creates a premature translational stop signal (p.Ser351*) in the EYS gene. It is expected to result in an absent or disrupted protein product. Loss-of-function variants in EYS are known to be pathogenic (PMID: 18836446, 20333770).

Literature cited by the submitters: PubMed 18836446 (cited by Labcorp Genetics (formerly Invitae), Labcorp); PubMed 20333770 (cited by Labcorp Genetics (formerly Invitae), Labcorp).